The following is an entry in ClinVar:

ClinVar aggregate classification (germline): Uncertain significance (1 of 4 stars; one submission).

Submission:

Labcorp Genetics (formerly Invitae), Labcorp
Classification: Uncertain significance. Last evaluated: 2022-11-22. Review status: criteria provided, single submitter. Criteria: Invitae Variant Classification Sherloc (09022015). Collection method: clinical testing. Allele origin: germline.
Comment: In summary, the available evidence is currently insufficient to determine the role of this variant in disease. Therefore, it has been classified as a Variant of Uncertain Significance. Advanced modeling of protein sequence and biophysical properties (such as structural, functional, and spatial information, amino acid conservation, physicochemical variation, residue mobility, and thermodynamic stability) performed at Invitae indicates that this missense variant is not expected to disrupt MYO7A protein function. This variant has not been reported in the literature in individuals affected with MYO7A-related conditions. This variant is not present in population databases (gnomAD no frequency). This sequence change replaces glutamic acid, which is acidic and polar, with lysine, which is basic and polar, at codon 567 of the MYO7A protein (p.Glu567Lys).

NM_000260.4(MYO7A):c.1699G>A (p.Glu567Lys)

Gene: MYO7A (myosin VIIA; plus strand). Cytogenetic location: 11q13.5.
Variant type: single nucleotide variant.
Coding change: c.1699G>A on transcript NM_000260.4 (MANE Select); coding-DNA position 1699, G replaced by A.
Protein change: p.Glu567Lys; replaces glutamic acid 567 with lysine.
Molecular consequence: missense variant.
Genome position (GRCh38, 1-based): chr11:77,166,064, G>A. VCF-style: chr11-77166064-G-A. GRCh37 (hg19) VCF-style: chr11-76877110-G-A.
Other names: c.1699G>A, p.Glu567Lys (NM_001127180.2); c.1666G>A, p.Glu556Lys (NM_001369365.1); short protein forms E567K, E556K.
Identifiers: ClinVar variation 1944985 (VCV001944985.3), dbSNP rs2496933561, ClinGen allele CA381936888.
Genomic context (GRCh38, chr11:77,166,064, plus strand): 5'-GGGGAGGGCCTGCCAGAGCTGGTGAGAGGTGACTGCTGTTTGCTGCTTGCAGGCTTCCTG[G>A]AGAAGAACCGAGACACCCTGCATGGGGACATTATCCAGCTGGTCCACTCCTCCAGGAACA-3'
Protein context (NP_000251.3, residues 557-577): IVYYETQGFL[Glu567Lys]KNRDTLHGDI